The following is an entry in ClinVar:

NM_001128840.3(CACNA1D):c.6325G>A (p.Gly2109Arg)

Gene: CACNA1D (calcium voltage-gated channel subunit alpha1 D; plus strand). Cytogenetic location: 3p21.1.
Variant type: single nucleotide variant.
Coding change: c.6325G>A on transcript NM_001128840.3 (MANE Select); coding-DNA position 6325, G replaced by A.
Protein change: p.Gly2109Arg; replaces glycine 2109 with arginine.
Molecular consequence: missense variant.
Genome position (GRCh38, 1-based): chr3:53,811,245, G>A. VCF-style: chr3-53811245-G-A. GRCh37 (hg19) VCF-style: chr3-53845272-G-A.
Other names: c.6385G>A, p.Gly2129Arg (NM_000720.4); c.6253G>A, p.Gly2085Arg (NM_001128839.3); short protein forms G2109R, G2129R, G2085R.
Identifiers: ClinVar variation 1364635 (VCV001364635.8), dbSNP rs1188572161, ClinGen allele CA353259252.

ClinVar aggregate classification (germline): Uncertain significance (1 of 4 stars; one submission).

Allele frequency attached by ClinVar (database versions not stated): gnomAD exomes below 0.00001; TOPMed below 0.00001.
gnomAD v4.1: 1 of 1,614,046 alleles (0.000062%); highest among the groups gnomAD compares: Non-Finnish European, 0.000085%; no homozygotes.

Submission:

Labcorp Genetics (formerly Invitae), Labcorp
Classification: Uncertain significance. Last evaluated: 2021-06-29. Review status: criteria provided, single submitter. Criteria: Invitae Variant Classification Sherloc (09022015). Collection method: clinical testing. Allele origin: germline.
Comment: In summary, the available evidence is currently insufficient to determine the role of this variant in disease. Therefore, it has been classified as a Variant of Uncertain Significance. Algorithms developed to predict the effect of sequence changes on RNA splicing suggest that this variant may create or strengthen a splice site. Algorithms developed to predict the effect of missense changes on protein structure and function are either unavailable or do not agree on the potential impact of this missense change (SIFT: "Deleterious"; PolyPhen-2: "Probably Damaging"; Align-GVGD: "Class C0"). This variant has not been reported in the literature in individuals affected with CACNA1D-related conditions. This variant is not present in population databases (ExAC no frequency). This sequence change replaces glycine with arginine at codon 2129 of the CACNA1D protein (p.Gly2129Arg). The glycine residue is moderately conserved and there is a moderate physicochemical difference between glycine and arginine.